The following is an entry in ClinVar:

NM_001110556.2(FLNA):c.3707G>C (p.Gly1236Ala)

Gene: FLNA (filamin A; minus strand). Cytogenetic location: Xq28.
Variant type: single nucleotide variant.
Coding change: c.3707G>C on transcript NM_001110556.2 (MANE Select); coding-DNA position 3707, G replaced by C.
Protein change: p.Gly1236Ala; replaces glycine 1236 with alanine.
Molecular consequence: missense variant.
Genome position (GRCh38, 1-based): chrX:154,360,088, C>G on the plus strand (G>C on the coding strand, the complement: FLNA is on the minus strand). VCF-style: chrX-154360088-C-G. GRCh37 (hg19) VCF-style: chrX-153588456-C-G.
Other names: c.3707G>C, p.Gly1236Ala (NM_001456.4); short protein forms G1236A.
Identifiers: ClinVar variation 2008227 (VCV002008227.4), dbSNP rs2522740483, ClinGen allele CA415223121.

ClinVar aggregate classification (germline): Uncertain significance (1 of 4 stars; one submission).

Conditions:
Oto-palato-digital syndrome, type II (OPD2). Also called: FACIOPALATOOSSEOUS SYNDROME; OPD II SYNDROME; Otopalatodigital Syndrome Type 2 (FLNA-OPD2); Otopalatodigital Syndrome, Type II. Identifiers: Orphanet 669, Orphanet 90652, MedGen C1844696, MONDO:0010571, OMIM 304120.
Melnick-Needles syndrome (MNS). Also called: MELNICK-NEEDLES OSTEODYSPLASTY; OSTEODYSPLASTY OF MELNICK AND NEEDLES; Melnick-Needles Syndrome (FLNA-MNS). Identifiers: Orphanet 2484, MedGen C0025237, MONDO:0010650, OMIM 309350.
Frontometaphyseal dysplasia (FMD1). Identifiers: Orphanet 1826, MedGen C0265293, MONDO:0015942.
Heterotopia, periventricular, X-linked dominant (PVNH1). Also called: PERIVENTRICULAR NODULAR HETEROTOPIA 1; X-linked periventricular heterotopia; PERIVENTRICULAR NODULAR HETEROTOPIA 4; HETEROTOPIA, PERIVENTRICULAR, 1. Identifiers: Orphanet 2149, Orphanet 82004, MedGen C1848213, MONDO:0010233, OMIM 300049.

Submission:

Labcorp Genetics (formerly Invitae), Labcorp
Classification: Uncertain significance for Oto-palato-digital syndrome, type II; Heterotopia, periventricular, X-linked dominant; Frontometaphyseal dysplasia; Melnick-Needles syndrome. Last evaluated: 2022-06-25. Review status: criteria provided, single submitter. Criteria: Invitae Variant Classification Sherloc (09022015). Collection method: clinical testing. Allele origin: germline.
Comment: This sequence change replaces glycine, which is neutral and non-polar, with alanine, which is neutral and non-polar, at codon 1236 of the FLNA protein (p.Gly1236Ala). This variant is not present in population databases (gnomAD no frequency). This variant has not been reported in the literature in individuals affected with FLNA-related conditions. Advanced modeling of protein sequence and biophysical properties (such as structural, functional, and spatial information, amino acid conservation, physicochemical variation, residue mobility, and thermodynamic stability) performed at Invitae indicates that this missense variant is not expected to disrupt FLNA protein function. In summary, the available evidence is currently insufficient to determine the role of this variant in disease. Therefore, it has been classified as a Variant of Uncertain Significance.